The following is an entry in ClinVar:

NM_000138.5(FBN1):c.2292del (p.Asp765fs)

Gene: FBN1 (fibrillin 1; minus strand). Cytogenetic location: 15q21.1.
Variant type: Deletion.
Coding change: c.2292del on transcript NM_000138.5 (MANE Select); coding-DNA position 2292, one base deleted (T; older notation c.2292delT).
Protein change: p.Asp765fs; shifts the reading frame from aspartic acid 765.
Molecular consequence: frameshift variant.
Genome position (GRCh38, 1-based): chr15:48,497,267, A deleted on the plus strand (T on the coding strand, the reverse complement: FBN1 is on the minus strand); the first of 2 consecutive A bases (chr15:48,497,267-48,497,268); deleting either gives the same sequence. VCF-style (leftmost placement, unchanged base first): chr15-48497266-CA-C. GRCh37 (hg19) VCF-style: chr15-48789463-CA-C.
Other names: short protein forms D765fs.
Identifiers: ClinVar variation 1424684 (VCV001424684.8), dbSNP rs2141306307, ClinGen allele CA2573150827.

ClinVar aggregate classification (germline): Pathogenic. Review status: criteria provided, multiple submitters, no conflicts (2 of 4 stars). 2 submissions from 2 submitters: Pathogenic (2). Last evaluated 2022-11-01.

Conditions:
Marfan syndrome (MFS). Also called: MARFAN SYNDROME, TYPE I; Marfan syndrome type 1; Marfan's syndrome; Marfan syndrome, classic; FBN1-Related Marfan Syndrome. Identifiers: Orphanet 284963, Orphanet 558, MedGen C0024796, MONDO:0007947, OMIM 154700.
Familial thoracic aortic aneurysm and aortic dissection (TAAD). Also called: Thoracic aortic aneurysms and dissections. Identifiers: Orphanet 91387, MedGen C4707243, MONDO:0019625.

Submissions (2):

Labcorp Genetics (formerly Invitae), Labcorp
Classification: Pathogenic for Marfan syndrome; Familial thoracic aortic aneurysm and aortic dissection. Last evaluated: 2022-11-01. Review status: criteria provided, single submitter. Criteria: Invitae Variant Classification Sherloc (09022015). Collection method: clinical testing. Allele origin: germline.
Comment: For these reasons, this variant has been classified as Pathogenic. ClinVar contains an entry for this variant (Variation ID: 1424684). This variant has not been reported in the literature in individuals affected with FBN1-related conditions. This sequence change creates a premature translational stop signal (p.Asp765Ilefs*7) in the FBN1 gene. It is expected to result in an absent or disrupted protein product. Loss-of-function variants in FBN1 are known to be pathogenic (PMID: 17657824, 19293843). This variant is not present in population databases (gnomAD no frequency).

Ambry Genetics
Classification: Pathogenic for Familial thoracic aortic aneurysm and aortic dissection. Last evaluated: 2020-03-20. Review status: criteria provided, single submitter. Criteria: Ambry Variant Classification Scheme 2023. Collection method: clinical testing. Allele origin: germline.
Comment: The c.2292delT pathogenic mutation, located in coding exon 19 of the FBN1 gene, results from a deletion of one nucleotide at position 2292, causing a translational frameshift with a predicted alternate stop codon (p.D765Ifs*7). This alteration is expected to result in loss of function by premature protein truncation or nonsense-mediated mRNA decay. As such, this alteration is interpreted as a disease-causing mutation.

Literature cited by the submitters: PubMed 17657824 (cited by Labcorp Genetics (formerly Invitae), Labcorp); PubMed 19293843 (cited by Labcorp Genetics (formerly Invitae), Labcorp).